The following is an entry in ClinVar:

NM_001370259.2(MEN1):c.1415G>T (p.Gly472Val)

Gene: MEN1 (menin 1; minus strand). Cytogenetic location: 11q13.1.
Variant type: single nucleotide variant.
Coding change: c.1415G>T on transcript NM_001370259.2 (MANE Select); coding-DNA position 1415, G replaced by T.
Protein change: p.Gly472Val; replaces glycine 472 with valine.
Molecular consequence: missense variant. On other transcripts: non-coding transcript variant (4).
Genome position (GRCh38, 1-based): chr11:64,804,752, C>A on the plus strand (G>T on the coding strand, the complement: MEN1 is on the minus strand). VCF-style: chr11-64804752-C-A. GRCh37 (hg19) VCF-style: chr11-64572224-C-A.
Other names: c.1430G>T, p.Gly477Val (NM_000244.4, NM_001407145.1, NM_130800.3 and 4 more transcripts); c.1541G>T, p.Gly514Val (NM_001370251.2, NM_001407142.1, NM_001407143.1 and 1 more transcripts); c.1415G>T, p.Gly472Val (NM_001370260.2, NM_001370261.2, NM_001407146.1 and 2 more transcripts); c.1310G>T, p.Gly437Val (NM_001370262.2, NM_001370263.2, NM_001407148.1 and 1 more transcripts); c.1556G>T, p.Gly519Val (NM_001407150.1); c.1436G>T, p.Gly479Val (NM_001407151.1); c.1250G>T, p.Gly417Val (NM_001407152.1); short protein forms G417V, G477V, G479V, G519V, G472V, G437V, G514V.
Identifiers: ClinVar variation 2771993 (VCV002771993.3), dbSNP rs2497126946, ClinGen allele CA381179491.

ClinVar aggregate classification (germline): Uncertain significance (1 of 4 stars; one submission).

Conditions:
Multiple endocrine neoplasia, type 1 (MEN1). Also called: MEA I; MEN I; WERMER SYNDROME; Endocrine adenomatosis multiple; MEN 1. Identifiers: Orphanet 652, MedGen C0025267, MeSH D018761, MONDO:0007540, OMIM 131100.

Submission:

Labcorp Genetics (formerly Invitae), Labcorp
Classification: Uncertain significance for Multiple endocrine neoplasia, type 1. Last evaluated: 2023-10-27. Review status: criteria provided, single submitter. Criteria: Invitae Variant Classification Sherloc (09022015). Collection method: clinical testing. Allele origin: germline.
Comment: This sequence change replaces glycine, which is neutral and non-polar, with valine, which is neutral and non-polar, at codon 472 of the MEN1 protein (p.Gly472Val). This variant is not present in population databases (gnomAD no frequency). This variant has not been reported in the literature in individuals affected with MEN1-related conditions. Advanced modeling of protein sequence and biophysical properties (such as structural, functional, and spatial information, amino acid conservation, physicochemical variation, residue mobility, and thermodynamic stability) has been performed at Invitae for this missense variant, however the output from this modeling did not meet the statistical confidence thresholds required to predict the impact of this variant on MEN1 protein function. In summary, the available evidence is currently insufficient to determine the role of this variant in disease. Therefore, it has been classified as a Variant of Uncertain Significance.